The following is an entry in ClinVar:

NM_003242.6(TGFBR2):c.1A>G (p.Met1Val)

Gene: TGFBR2 (transforming growth factor beta receptor 2; plus strand). Cytogenetic location: 3p24.1.
Variant type: single nucleotide variant.
Coding change: c.1A>G on transcript NM_003242.6 (MANE Select); coding-DNA position 1, A replaced by G.
Protein change: p.Met1Val; changes the start codon (methionine 1).
Molecular consequence: missense variant, initiator codon variant.
Genome position (GRCh38, 1-based): chr3:30,606,884, A>G. VCF-style: chr3-30606884-A-G. GRCh37 (hg19) VCF-style: chr3-30648376-A-G.
Other names: c.1A>G, p.Met1Val (NM_001024847.3, NM_001407126.1, NM_001407127.1 and 4 more transcripts); c.-283A>G (NM_001407133.1); c.-161A>G (NM_001407134.1); c.-208A>G (NM_001407135.1); c.-293A>G (NM_001407136.1); short protein forms M1V.
Identifiers: ClinVar variation 920747 (VCV000920747.7), dbSNP rs933114782, ClinGen allele CA72289962.

ClinVar aggregate classification (germline): Uncertain significance/Uncertain risk allele. Review status: criteria provided, multiple submitters, no conflicts (2 of 4 stars). 3 submissions from 3 submitters: Uncertain significance (2); Uncertain risk allele (1). Last evaluated 2021-11-15.

Conditions:
Diabetic retinopathy. Identifiers: MedGen C0011884, MONDO:0005266.
Malignant tumor of esophagus. Also called: Esophageal cancer; Esophageal cancer, somatic. Identifiers: Orphanet 99977, MedGen C0546837, MONDO:0007576, OMIM 133239.
Colorectal cancer, hereditary nonpolyposis, type 6. Also called: Colon cancer, hereditary nonpolyposis, type 6; Colon cancer, hereditary nonpolyposis, type 6, somatic. Identifiers: Orphanet 144, MedGen C1860896, MONDO:0013695, OMIM 614331.
Loeys-Dietz syndrome 2 (LDS2). Also called: TGFBR2-Related Loeys-Dietz Syndrome; AORTIC ANEURYSM, FAMILIAL THORACIC 3; MARFAN SYNDROME, TYPE II; Marfan Syndrome type 2; Marfan like connective tissue disorder; MFS 2. Identifiers: Orphanet 284973, Orphanet 558, MedGen C2674574, MONDO:0012427, OMIM 610168.
Familial thoracic aortic aneurysm and aortic dissection (TAAD). Also called: Thoracic aortic aneurysms and dissections. Identifiers: Orphanet 91387, MedGen C4707243, MONDO:0019625.

Allele frequency attached by ClinVar (database versions not stated): gnomAD exomes below 0.00001.

Submissions (3):

Fulgent Genetics
Classification: Uncertain significance for Malignant tumor of esophagus; Loeys-Dietz syndrome 2; Colorectal cancer, hereditary nonpolyposis, type 6. Last evaluated: 2021-11-15. Review status: criteria provided, single submitter. Criteria: ACMG Guidelines, 2015. Collection method: clinical testing. Allele origin: unknown.

Color Diagnostics, LLC DBA Color Health
Classification: Uncertain significance for Familial thoracic aortic aneurysm and aortic dissection. Last evaluated: 2019-03-04. Review status: criteria provided, single submitter. Criteria: ACMG Guidelines, 2015. Collection method: clinical testing. Allele origin: germline.
Comment: Variant of Uncertain Significance due to insufficient evidence: This variant alters the translation initiation codon of the TGFBR2 mRNA. An alternate in-frame methionine downstream of the initiator methionine occurs at codon 35 in the extracellular domain, after the signal peptide sequence. This variant is expected to disrupt translation initiation and result in an absent or truncated protein product. To our knowledge, functional assays have not been performed for this variant nor has this variant been reported in individuals affected with cardiovascular disorders in the literature. This variant is rare in the general population and has been identified in 0/277264 chromosomes by the Genome Aggregation Database (gnomAD). The role of TGFBR2 truncations and other loss-of-function variants in cardiovascular disorders is not yet fully understood. Available evidence is insufficient to determine the role of this variant in disease conclusively.

Clinical Genomics, Uppaluri K&H Personalized Medicine Clinic
Classification: Uncertain risk allele for Diabetic retinopathy. Review status: criteria provided, single submitter. Criteria: K And H Uppaluri Personalized Medicine Clinic Variant Classification And Assertion Criteria Updated V 2. Collection method: research. Allele origin: unknown.
Comment: Potent mutations in TGFBR2 gene encodes the transforming growth factor that have been associated with angiogenesis and diabetic retinopathy. More clinical studies are needed for stronger association. However, more evidence is required to confer the association of this particular variant rs933114782 with diabetic retinopathy.

Literature cited by the submitters: PubMed 30222965 (cited by Clinical Genomics, Uppaluri K&H Personalized Medicine Clinic); PubMed 28162229 (cited by Clinical Genomics, Uppaluri K&H Personalized Medicine Clinic); PubMed 34572573 (cited by Clinical Genomics, Uppaluri K&H Personalized Medicine Clinic).